The following is an entry in ClinVar:

ClinVar aggregate classification (germline): Uncertain significance (1 of 4 stars; one submission).

Allele frequency attached by ClinVar (database versions not stated): gnomAD 0.00001; gnomAD exomes 0.00001; TOPMed 0.00001.
gnomAD v4.1: 4 of 1,613,616 alleles (0.00025%); highest among the groups gnomAD compares: Non-Finnish European, 0.00034%; no homozygotes.

Submission:

Labcorp Genetics (formerly Invitae), Labcorp
Classification: Uncertain significance. Last evaluated: 2022-04-03. Review status: criteria provided, single submitter. Criteria: Invitae Variant Classification Sherloc (09022015). Collection method: clinical testing. Allele origin: germline.
Comment: In summary, the available evidence is currently insufficient to determine the role of this variant in disease. Therefore, it has been classified as a Variant of Uncertain Significance. Algorithms developed to predict the effect of missense changes on protein structure and function are either unavailable or do not agree on the potential impact of this missense change (SIFT: "Deleterious"; PolyPhen-2: "Probably Damaging"; Align-GVGD: "Class C0"). This variant has not been reported in the literature in individuals affected with HERC1-related conditions. This variant is present in population databases (no rsID available, gnomAD 0.0009%). This sequence change replaces tyrosine, which is neutral and polar, with histidine, which is basic and polar, at codon 533 of the HERC1 protein (p.Tyr533His).

NM_003922.4(HERC1):c.1597T>C (p.Tyr533His)

Gene: HERC1 (HECT and RLD domain containing E3 ubiquitin protein ligase family member 1; minus strand). Cytogenetic location: 15q22.31.
Variant type: single nucleotide variant.
Coding change: c.1597T>C on transcript NM_003922.4 (MANE Select); coding-DNA position 1597, T replaced by C.
Protein change: p.Tyr533His; replaces tyrosine 533 with histidine.
Molecular consequence: missense variant.
Genome position (GRCh38, 1-based): chr15:63,755,262, A>G on the plus strand (T>C on the coding strand, the complement: HERC1 is on the minus strand). VCF-style: chr15-63755262-A-G. GRCh37 (hg19) VCF-style: chr15-64047461-A-G.
Other names: short protein forms Y533H.
Identifiers: ClinVar variation 1944407 (VCV001944407.5), dbSNP rs1278094343, ClinGen allele CA392803919.
Genomic context (GRCh38, chr15:63,755,262, plus strand): 5'-ATAACTTACATTTTTAAAAAATCTTACCTAATCTTCCAAAGTCTCCTTCACCCCATGTGT[A>G]TAATTCCCCATCCTCTGTGACAGCAGCACTATGTCTGTATCCAGCTGACACACAAACAAC-3'
Protein context (NP_003913.3, residues 523-543): SAAVTEDGEL[Tyr533His]TWGEGDFGRL